The following is an entry in ClinVar:

ClinVar aggregate classification (germline): Conflicting classifications of pathogenicity. Review status: criteria provided, conflicting classifications (1 of 4 stars). 2 submissions from 2 submitters: Uncertain significance (1); Likely benign (1). Last evaluated 2025-09-24.

Conditions:
Hereditary hyperferritinemia with congenital cataracts. Also called: Hereditary hyperferritinemia cataract syndrome; Bonneau-Beaumont syndrome; HYPERFERRITINEMIA WITH OR WITHOUT CATARACT. Identifiers: Orphanet 163, MedGen C1833213, MONDO:0010952, OMIM 600886.
Neuroferritinopathy (NBIA3). Also called: NEURODEGENERATION WITH BRAIN IRON ACCUMULATION 3; BASAL GANGLIA DISEASE, ADULT-ONSET. Identifiers: Orphanet 157846, MedGen C1853578, MONDO:0011638, OMIM 606159.

Allele frequency attached by ClinVar (database versions not stated): gnomAD exomes 0.00001 and 0.00002; ExAC 0.00002; gnomAD 0.00003; TOPMed 0.00005.
gnomAD v4.1: 39 of 1,614,018 alleles (0.0024%); highest among the groups gnomAD compares: East Asian, 0.0089%; no homozygotes.

Submissions (2):

Labcorp Genetics (formerly Invitae), Labcorp
Classification: Uncertain significance for Neuroferritinopathy; Hereditary hyperferritinemia with congenital cataracts. Last evaluated: 2025-09-24. Review status: criteria provided, single submitter. Criteria: Invitae Variant Classification Sherloc (09022015). Collection method: clinical testing. Allele origin: germline.
Comment: This sequence change falls in intron 3 of the FTL gene. It does not directly change the encoded amino acid sequence of the FTL protein. It affects a nucleotide within the consensus splice site. This variant is present in population databases (rs369864128, gnomAD 0.01%). This variant has not been reported in the literature in individuals affected with FTL-related conditions. ClinVar contains an entry for this variant (Variation ID: 1404702). Variants that disrupt the consensus splice site are a relatively common cause of aberrant splicing (PMID: 17576681, 9536098). Algorithms developed to predict the effect of sequence changes on RNA splicing suggest that this variant is not likely to affect RNA splicing. In summary, the available evidence is currently insufficient to determine the role of this variant in disease. Therefore, it has been classified as a Variant of Uncertain Significance.

Blueprint Genetics
Classification: Likely benign. Last evaluated: 2024-11-11. Review status: criteria provided, single submitter. Criteria: ACMG Guidelines, 2015. Collection method: clinical testing. Allele origin: germline.

Literature cited by the submitters: PubMed 17576681 (cited by Labcorp Genetics (formerly Invitae), Labcorp); PubMed 9536098 (cited by Labcorp Genetics (formerly Invitae), Labcorp).

NM_000146.4(FTL):c.375+4C>T

Gene: FTL (ferritin light chain; plus strand). Cytogenetic location: 19q13.33.
Variant type: single nucleotide variant.
Coding change: c.375+4C>T on transcript NM_000146.4 (MANE Select); 4 bases into the intron after coding-DNA position 375, C replaced by T.
Molecular consequence: intron variant.
Genome position (GRCh38, 1-based): chr19:48,966,410, C>T. VCF-style: chr19-48966410-C-T. GRCh37 (hg19) VCF-style: chr19-49469667-C-T.
Identifiers: ClinVar variation 1404702 (VCV001404702.9), dbSNP rs369864128, ClinGen allele CA9562546.